The following is an entry in ClinVar:

NM_018718.3(CEP41):c.800C>T (p.Thr267Ile)

Gene: CEP41 (centrosomal protein 41; minus strand). Cytogenetic location: 7q32.2.
Variant type: single nucleotide variant.
Coding change: c.800C>T on transcript NM_018718.3 (MANE Select); coding-DNA position 800, C replaced by T.
Protein change: p.Thr267Ile; replaces threonine 267 with isoleucine.
Molecular consequence: missense variant. On other transcripts: non-coding transcript variant (1), intron variant (2).
Genome position (GRCh38, 1-based): chr7:130,400,212, G>A on the plus strand (C>T on the coding strand, the complement: CEP41 is on the minus strand). VCF-style: chr7-130400212-G-A. GRCh37 (hg19) VCF-style: chr7-130040053-G-A.
Other names: c.709+495C>T (NM_001257159.2); c.757+495C>T (NM_001257158.2); short protein forms T267I.
Identifiers: ClinVar variation 1449089 (VCV001449089.6), dbSNP rs2117552856, ClinGen allele CA369287365.

ClinVar aggregate classification (germline): Uncertain significance (1 of 4 stars; one submission).

Conditions:
Joubert syndrome 15 (JBTS15). Identifiers: Orphanet 475, MedGen C3280897, MONDO:0013763, OMIM 614464.

Submission:

Labcorp Genetics (formerly Invitae), Labcorp
Classification: Uncertain significance for Joubert syndrome 15. Last evaluated: 2022-03-09. Review status: criteria provided, single submitter. Criteria: Invitae Variant Classification Sherloc (09022015). Collection method: clinical testing. Allele origin: germline.
Comment: This sequence change replaces threonine, which is neutral and polar, with isoleucine, which is neutral and non-polar, at codon 267 of the CEP41 protein (p.Thr267Ile). This variant is not present in population databases (gnomAD no frequency). This variant has not been reported in the literature in individuals affected with CEP41-related conditions. Algorithms developed to predict the effect of missense changes on protein structure and function (SIFT, PolyPhen-2, Align-GVGD) all suggest that this variant is likely to be disruptive. In summary, the available evidence is currently insufficient to determine the role of this variant in disease. Therefore, it has been classified as a Variant of Uncertain Significance.